The following is an entry in ClinVar:

ClinVar aggregate classification (germline): Likely benign. Review status: criteria provided, multiple submitters, no conflicts (2 of 4 stars). 4 submissions from 4 submitters: Likely benign (4). Last evaluated 2026-08-29.

Conditions:
Cardiovascular phenotype. Identifiers: MedGen CN230736.
Arrhythmogenic right ventricular cardiomyopathy (ARVD). Also called: Arrhythmogenic cardiomyopathy; Arrhythmogenic Right Ventricular Cardiomyopathy (ARVC); Cardiomyopathy, ARVC; Arrhythmogenic right ventricular dysplasia. Identifiers: Orphanet 247, MedGen C0349788, MeSH D019571, MONDO:0016587. Disease mechanism: loss of function. Inheritance: Various modes of inheritance.
Cardiomyopathy (CMYO). Also called: Cardiomyopathies. Identifiers: Orphanet 167848, MedGen C0878544, MONDO:0004994, HP:0001638. Inheritance: Various modes of inheritance.
Arrhythmogenic right ventricular dysplasia 9 (ARVD9). Also called: Arrhythmogenic Right Ventricular Dysplasia/Cardiomyopathy 9; ARRHYTHMOGENIC RIGHT VENTRICULAR DYSPLASIA, FAMILIAL, 9. Identifiers: MedGen C1836906, MONDO:0012180, OMIM 609040.

Allele frequency attached by ClinVar (database versions not stated): gnomAD 0.00001; TOPMed 0.00001; gnomAD exomes 0.00002 and below 0.00001.
gnomAD v4.1: 25 of 1,614,100 alleles (0.0015%); highest among the groups gnomAD compares: Middle Eastern, 0.016%; no homozygotes.

Submissions (4):

Ambry Genetics
Classification: Likely benign for Cardiovascular phenotype. Last evaluated: 2026-08-29. Review status: criteria provided, single submitter. Criteria: Ambry Variant Classification Scheme 2023. Collection method: clinical testing. Allele origin: germline.

Labcorp Genetics (formerly Invitae), Labcorp
Classification: Likely benign for Arrhythmogenic right ventricular dysplasia 9. Last evaluated: 2025-08-03. Review status: criteria provided, single submitter. Criteria: Invitae Variant Classification Sherloc (09022015). Collection method: clinical testing. Allele origin: germline.

All of Us Research Program, National Institutes of Health
Classification: Likely benign for Arrhythmogenic right ventricular cardiomyopathy. Last evaluated: 2023-11-30. Review status: criteria provided, single submitter. Criteria: ACMG Guidelines, 2015. Collection method: clinical testing. Allele origin: germline. Inheritance: Autosomal dominant inheritance. Observed: 3 variant alleles, 3 heterozygotes.
Comment: This study involves interpretation of variants in research participants for the purpose of population health screening. Participant phenotype was not available at the time of variant classification. Additional details can be found in publication PMID: 35346344, PMCID: PMC8962531

Color Diagnostics, LLC DBA Color Health
Classification: Likely benign for Cardiomyopathy. Last evaluated: 2021-11-02. Review status: criteria provided, single submitter. Criteria: ACMG Guidelines, 2015. Collection method: clinical testing. Allele origin: germline.

NM_001005242.3(PKP2):c.726G>A (p.Thr242=)

Gene: PKP2 (plakophilin 2; minus strand). Cytogenetic location: 12p11.21.
Variant type: single nucleotide variant.
Coding change: c.726G>A on transcript NM_001005242.3 (MANE Select); coding-DNA position 726, G replaced by A.
Protein change: p.Thr242=; no amino-acid change (threonine 242 retained).
Molecular consequence: synonymous variant.
Genome position (GRCh38, 1-based): chr12:32,878,154, C>T on the plus strand (G>A on the coding strand, the complement: PKP2 is on the minus strand). VCF-style: chr12-32878154-C-T. GRCh37 (hg19) VCF-style: chr12-33031088-C-T.
Other names: c.726G>A (NM_004572.3); c.726G>A, p.Thr242= (NM_004572.4).
Identifiers: ClinVar variation 1587081 (VCV001587081.12), dbSNP rs866886453, ClinGen allele CA235266334.